The following is an entry in ClinVar:

ClinVar aggregate classification (germline): Uncertain significance. Review status: criteria provided, multiple submitters, no conflicts (2 of 4 stars). 2 submissions from 2 submitters: Uncertain significance (2). Last evaluated 2025-11-11.

Conditions:
Inborn genetic diseases. Identifiers: MedGen C0950123, MeSH D030342.

Allele frequency attached by ClinVar (database versions not stated): gnomAD exomes below 0.00001 and 0.00001; TOPMed 0.00001; gnomAD 0.00001; ExAC 0.00001.
gnomAD v4.1: 14 of 1,612,342 alleles (0.00087%); highest among the groups gnomAD compares: African/African-American, 0.0013%; no homozygotes.

Submissions (2):

Ambry Genetics
Classification: Uncertain significance for Inborn genetic diseases. Last evaluated: 2025-11-11. Review status: criteria provided, single submitter. Criteria: Ambry Variant Classification Scheme 2023. Collection method: clinical testing. Allele origin: germline.

Labcorp Genetics (formerly Invitae), Labcorp
Classification: Uncertain significance. Last evaluated: 2021-09-01. Review status: criteria provided, single submitter. Criteria: Invitae Variant Classification Sherloc (09022015). Collection method: clinical testing. Allele origin: germline.
Comment: This sequence change replaces leucine with tryptophan at codon 1561 of the TTC37 protein (p.Leu1561Trp). The leucine residue is moderately conserved and there is a small physicochemical difference between leucine and tryptophan. The frequency data for this variant in the population databases is considered unreliable, as metrics indicate poor data quality at this position in the ExAC database. This variant has not been reported in the literature in individuals affected with TTC37-related conditions. Algorithms developed to predict the effect of missense changes on protein structure and function are either unavailable or do not agree on the potential impact of this missense change (SIFT: "Deleterious"; PolyPhen-2: "Probably Damaging"; Align-GVGD: "Class C0"). In summary, the available evidence is currently insufficient to determine the role of this variant in disease. Therefore, it has been classified as a Variant of Uncertain Significance.

NM_014639.4(SKIC3):c.4682T>G (p.Leu1561Trp)

Gene: SKIC3 (SKI3 subunit of superkiller complex; minus strand). Cytogenetic location: 5q15.
Variant type: single nucleotide variant.
Coding change: c.4682T>G on transcript NM_014639.4 (MANE Select); coding-DNA position 4682, T replaced by G.
Protein change: p.Leu1561Trp; replaces leucine 1561 with tryptophan.
Molecular consequence: missense variant.
Genome position (GRCh38, 1-based): chr5:95,464,620, A>C on the plus strand (T>G on the coding strand, the complement: SKIC3 is on the minus strand). VCF-style: chr5-95464620-A-C. GRCh37 (hg19) VCF-style: chr5-94800324-A-C.
Other names: c.4682T>G (NM_014639.3); short protein forms L1561W.
Identifiers: ClinVar variation 1418577 (VCV001418577.6), dbSNP rs756013170, ClinGen allele CA3346318.
Genomic context (GRCh38, chr5:95,464,620, plus strand): 5'-ATTCTTACAGCTTTTTCTTTGCTTCCTTACTATAAAATAATCCAATGTTATTGTGAGGAC[A>C]ATCTCTGATTCAGTTCCAATGCTCTTGTATCTCCATGAGTTTTGGCATTGTTTACCAGCA-3'
Protein context (NP_055454.1, residues 1551-1564): DTRALELNQR[Leu1561Trp]SSQ